The following is an entry in ClinVar:

ClinVar aggregate classification (germline): Uncertain significance (1 of 4 stars; one submission).

Allele frequency attached by ClinVar (database versions not stated): gnomAD exomes below 0.00001.
gnomAD v4.1: 1 of 1,614,200 alleles (0.000062%); highest among the groups gnomAD compares: South Asian, 0.0011%; no homozygotes.

Submission:

Labcorp Genetics (formerly Invitae), Labcorp
Classification: Uncertain significance. Last evaluated: 2023-10-22. Review status: criteria provided, single submitter. Criteria: Invitae Variant Classification Sherloc (09022015). Collection method: clinical testing. Allele origin: germline.
Comment: This sequence change replaces proline, which is neutral and non-polar, with arginine, which is basic and polar, at codon 1307 of the KMT2A protein (p.Pro1307Arg). This variant is not present in population databases (gnomAD no frequency). This variant has not been reported in the literature in individuals affected with KMT2A-related conditions. Advanced modeling of protein sequence and biophysical properties (such as structural, functional, and spatial information, amino acid conservation, physicochemical variation, residue mobility, and thermodynamic stability) has been performed at Invitae for this missense variant, however the output from this modeling did not meet the statistical confidence thresholds required to predict the impact of this variant on KMT2A protein function. In summary, the available evidence is currently insufficient to determine the role of this variant in disease. Therefore, it has been classified as a Variant of Uncertain Significance.

NM_001197104.2(KMT2A):c.3920C>G (p.Pro1307Arg)

Gene: KMT2A (lysine methyltransferase 2A; plus strand). Cytogenetic location: 11q23.3.
Variant type: single nucleotide variant.
Coding change: c.3920C>G on transcript NM_001197104.2 (MANE Select); coding-DNA position 3920, C replaced by G.
Protein change: p.Pro1307Arg; replaces proline 1307 with arginine.
Molecular consequence: missense variant.
Genome position (GRCh38, 1-based): chr11:118,482,000, C>G. VCF-style: chr11-118482000-C-G. GRCh37 (hg19) VCF-style: chr11-118352715-C-G.
Other names: c.4019C>G, p.Pro1340Arg (NM_001412597.1); c.3920C>G, p.Pro1307Arg (NM_005933.4); short protein forms P1340R, P1307R.
Identifiers: ClinVar variation 2764660 (VCV002764660.3), dbSNP rs2134301271, ClinGen allele CA382828336.